The following is an entry in ClinVar:

ClinVar aggregate classification (germline): Uncertain significance (1 of 4 stars; one submission).

Conditions:
Hypertrophic cardiomyopathy. Also called: HYPERTROPHIC MYOCARDIOPATHY. Identifiers: Orphanet 217569, MedGen C0007194, MeSH D002312, MONDO:0005045, HP:0001639.

gnomAD v4.1: 1 of 1,614,176 alleles (0.000062%); highest among the groups gnomAD compares: Non-Finnish European, 0.000085%; no homozygotes.

Submission:

Labcorp Genetics (formerly Invitae), Labcorp
Classification: Uncertain significance for Hypertrophic cardiomyopathy. Last evaluated: 2025-04-13. Review status: criteria provided, single submitter. Criteria: Invitae Variant Classification Sherloc (09022015). Collection method: clinical testing. Allele origin: germline.
Comment: This sequence change replaces aspartic acid, which is acidic and polar, with glycine, which is neutral and non-polar, at codon 58 of the TPM1 protein (p.Asp58Gly). This variant is not present in population databases (gnomAD no frequency). This variant has not been reported in the literature in individuals affected with TPM1-related conditions. An algorithm developed to predict the effect of missense changes on protein structure and function (PolyPhen-2) suggests that this variant is likely to be disruptive. In summary, the available evidence is currently insufficient to determine the role of this variant in disease. Therefore, it has been classified as a Variant of Uncertain Significance.

NM_001018005.2(TPM1):c.173A>G (p.Asp58Gly)

Gene: TPM1 (tropomyosin 1; plus strand). Cytogenetic location: 15q22.2.
Variant type: single nucleotide variant.
Coding change: c.173A>G on transcript NM_001018005.2 (MANE Select); coding-DNA position 173, A replaced by G.
Protein change: p.Asp58Gly; replaces aspartic acid 58 with glycine.
Molecular consequence: missense variant. On other transcripts: non-coding transcript variant (12), intron variant (10).
Genome position (GRCh38, 1-based): chr15:63,044,085, A>G. VCF-style: chr15-63044085-A-G. GRCh37 (hg19) VCF-style: chr15-63336284-A-G.
Other names: c.173A>G, p.Asp58Gly (NM_000366.6, NM_001018004.2, NM_001018006.2 and 10 more transcripts); c.299A>G, p.Asp100Gly (NM_001365778.1, NM_001407322.1, NM_001407323.1 and 1 more transcripts); c.240+254A>G (NM_001407336.1, NM_001018020.2, NM_001407338.1 and 7 more transcripts); short protein forms D58G, D100G.
Identifiers: ClinVar variation 4716884 (VCV004716884.1).